The following is an entry in ClinVar:

NM_033026.6(PCLO):c.7735A>G (p.Thr2579Ala)

Gene: PCLO (piccolo presynaptic cytomatrix protein; minus strand). Cytogenetic location: 7q21.11.
Variant type: single nucleotide variant.
Coding change: c.7735A>G on transcript NM_033026.6 (MANE Select); coding-DNA position 7735, A replaced by G.
Protein change: p.Thr2579Ala; replaces threonine 2579 with alanine.
Molecular consequence: missense variant.
Genome position (GRCh38, 1-based): chr7:82,953,218, T>C on the plus strand (A>G on the coding strand, the complement: PCLO is on the minus strand). VCF-style: chr7-82953218-T-C. GRCh37 (hg19) VCF-style: chr7-82582534-T-C.
Other names: c.7735A>G, p.Thr2579Ala (NM_014510.3); short protein forms T2579A.
Identifiers: ClinVar variation 1912970 (VCV001912970.5), dbSNP rs567939662, ClinGen allele CA161146067.

ClinVar aggregate classification (germline): Uncertain significance (1 of 4 stars; one submission).

Submission:

Labcorp Genetics (formerly Invitae), Labcorp
Classification: Uncertain significance. Last evaluated: 2023-11-20. Review status: criteria provided, single submitter. Criteria: Invitae Variant Classification Sherloc (09022015). Collection method: clinical testing. Allele origin: germline.
Comment: This sequence change replaces threonine, which is neutral and polar, with alanine, which is neutral and non-polar, at codon 2579 of the PCLO protein (p.Thr2579Ala). This variant is not present in population databases (gnomAD no frequency). This variant has not been reported in the literature in individuals affected with PCLO-related conditions. ClinVar contains an entry for this variant (Variation ID: 1912970). Experimental studies and prediction algorithms are not available or were not evaluated, and the functional significance of this variant is currently unknown. In summary, the available evidence is currently insufficient to determine the role of this variant in disease. Therefore, it has been classified as a Variant of Uncertain Significance.